The following is an entry in ClinVar:

ClinVar aggregate classification (germline): Uncertain significance. Review status: criteria provided, multiple submitters, no conflicts (2 of 4 stars). 3 submissions from 3 submitters: Uncertain significance (3). Last evaluated 2024-10-17.

Conditions:
Cardiovascular phenotype. Identifiers: MedGen CN230736.
Hypertrophic cardiomyopathy. Also called: HYPERTROPHIC MYOCARDIOPATHY. Identifiers: Orphanet 217569, MedGen C0007194, MeSH D002312, MONDO:0005045, HP:0001639.

Submissions (3):

ARUP Laboratories, Molecular Genetics and Genomics, ARUP Laboratories
Classification: Uncertain significance. Last evaluated: 2024-10-17. Review status: criteria provided, single submitter. Criteria: ARUP Molecular Germline Variant Investigation Process 2024. Collection method: clinical testing. Allele origin: germline.
Comment: The MYH7 c.5561C>A; p.Thr1854Lys variant, to our knowledge, is not reported in the medical literature or gene specific databases. This variant is also absent from the Genome Aggregation Database (v2.1.1), indicating it is not a common polymorphism. Computational analyses predict that this variant is deleterious (REVEL: 0.758). Additionally, computational splicing analyses (SpliceAI) predict that this variant may impact splicing by creating a novel cryptic acceptor splice site, although RNA analysis would be required to confirm this. Given the lack of clinical and functional data, the significance of this variant is uncertain at this time.

Labcorp Genetics (formerly Invitae), Labcorp
Classification: Uncertain significance for Hypertrophic cardiomyopathy. Last evaluated: 2024-02-22. Review status: criteria provided, single submitter. Criteria: Invitae Variant Classification Sherloc (09022015). Collection method: clinical testing. Allele origin: germline.
Comment: This sequence change replaces threonine, which is neutral and polar, with lysine, which is basic and polar, at codon 1854 of the MYH7 protein (p.Thr1854Lys). This variant is not present in population databases (gnomAD no frequency). This variant has not been reported in the literature in individuals affected with MYH7-related conditions. An algorithm developed to predict the effect of missense changes on protein structure and function (PolyPhen-2) suggests that this variant is likely to be disruptive. Algorithms developed to predict the effect of sequence changes on RNA splicing suggest that this variant may create or strengthen a splice site. This variant disrupts the p.Thr1854 amino acid residue in MYH7. Other variant(s) that disrupt this residue have been determined to be pathogenic (PMID: 15358028, 23283745, 25086479, 27532257; Invitae). This suggests that this residue is clinically significant, and that variants that disrupt this residue are likely to be disease-causing. In summary, the available evidence is currently insufficient to determine the role of this variant in disease. Therefore, it has been classified as a Variant of Uncertain Significance.

Ambry Genetics
Classification: Uncertain significance for Cardiovascular phenotype. Last evaluated: 2024-01-02. Review status: criteria provided, single submitter. Criteria: Ambry Variant Classification Scheme 2023. Collection method: clinical testing. Allele origin: germline.
Comment: The p.T1854K variant (also known as c.5561C>A), located in coding exon 36 of the MYH7 gene, results from a C to A substitution at nucleotide position 5561. The threonine at codon 1854 is replaced by lysine, an amino acid with similar properties. This amino acid position is well conserved in available vertebrate species. In addition, this alteration is predicted to be deleterious by in silico analysis. Since supporting evidence is limited at this time, the clinical significance of this alteration remains unclear.

Literature cited by the submitters: PubMed 15358028 (cited by Labcorp Genetics (formerly Invitae), Labcorp); PubMed 23283745 (cited by Labcorp Genetics (formerly Invitae), Labcorp); PubMed 25086479 (cited by Labcorp Genetics (formerly Invitae), Labcorp); PubMed 27532257 (cited by Labcorp Genetics (formerly Invitae), Labcorp).

NM_000257.4(MYH7):c.5561C>A (p.Thr1854Lys)

Gene: MYH7 (myosin heavy chain 7; minus strand). Cytogenetic location: 14q11.2.
Variant type: single nucleotide variant.
Coding change: c.5561C>A on transcript NM_000257.4 (MANE Select); coding-DNA position 5561, C replaced by A.
Protein change: p.Thr1854Lys; replaces threonine 1854 with lysine.
Molecular consequence: missense variant.
Genome position (GRCh38, 1-based): chr14:23,414,101, G>T on the plus strand (C>A on the coding strand, the complement: MYH7 is on the minus strand). VCF-style: chr14-23414101-G-T. GRCh37 (hg19) VCF-style: chr14-23883310-G-T.
Other names: c.5561C>A, p.Thr1854Lys (NM_001407004.1); short protein forms T1854K.
Identifiers: ClinVar variation 3230917 (VCV003230917.3), dbSNP rs372381770, ClinGen allele CA389034977.
Genomic context (GRCh38, chr14:23,414,101, plus strand): 5'-TTTAGCTGCAGCTTGTCTACCAGGTCCTGCAGCCGCAGCAGGTTTTTCCTGTCCTCCTCC[G>T]TCTGGGGGCCAGAGGGTAGGCAGGGGGTGAAGATGGCACAGTCATAGAAGGTAGCATCCC-3'
Protein context (NP_000248.2, residues 1844-1864): ERRIKELTYQ[Thr1854Lys]EEDRKNLLRL